The following is an entry in ClinVar:

ClinVar aggregate classification (germline): Uncertain significance. Review status: criteria provided, multiple submitters, no conflicts (2 of 4 stars). 2 submissions from 2 submitters: Uncertain significance (2). Last evaluated 2024-03-31.

Conditions:
Distal myopathy with posterior leg and anterior hand involvement. Also called: WILLIAMS DISTAL MYOPATHY. Identifiers: Orphanet 63273, MedGen C3279722, MONDO:0013550, OMIM 614065.
Hypertrophic cardiomyopathy 26. Also called: Cardiomyopathy, familial hypertrophic, 26. Identifiers: Orphanet 75249, MedGen C4310749, MONDO:0014883, OMIM 617047.
Myofibrillar myopathy 5. Also called: Filaminopathy (type); FILAMINOPATHY, AUTOSOMAL DOMINANT. Identifiers: Orphanet 171445, MedGen C1836050, MONDO:0012289, OMIM 609524.

Submissions (2):

Labcorp Genetics (formerly Invitae), Labcorp
Classification: Uncertain significance for Distal myopathy with posterior leg and anterior hand involvement; Myofibrillar myopathy 5; Hypertrophic cardiomyopathy 26. Last evaluated: 2024-03-31. Review status: criteria provided, single submitter. Criteria: Invitae Variant Classification Sherloc (09022015). Collection method: clinical testing. Allele origin: germline.
Comment: This sequence change replaces valine, which is neutral and non-polar, with isoleucine, which is neutral and non-polar, at codon 338 of the FLNC protein (p.Val338Ile). This variant is not present in population databases (gnomAD no frequency). This variant has not been reported in the literature in individuals affected with FLNC-related conditions. ClinVar contains an entry for this variant (Variation ID: 1369737). Advanced modeling of protein sequence and biophysical properties (such as structural, functional, and spatial information, amino acid conservation, physicochemical variation, residue mobility, and thermodynamic stability) has been performed at Invitae for this missense variant, however the output from this modeling did not meet the statistical confidence thresholds required to predict the impact of this variant on FLNC protein function. In summary, the available evidence is currently insufficient to determine the role of this variant in disease. Therefore, it has been classified as a Variant of Uncertain Significance.

Blueprint Genetics
Classification: Uncertain significance. Last evaluated: 2024-02-26. Review status: criteria provided, single submitter. Criteria: ACMG Guidelines, 2015. Collection method: clinical testing. Allele origin: germline.

NM_001458.5(FLNC):c.1012G>A (p.Val338Ile)

Gene: FLNC (filamin C; plus strand). Cytogenetic location: 7q32.1.
Variant type: single nucleotide variant.
Coding change: c.1012G>A on transcript NM_001458.5 (MANE Select); coding-DNA position 1012, G replaced by A.
Protein change: p.Val338Ile; replaces valine 338 with isoleucine.
Molecular consequence: missense variant.
Genome position (GRCh38, 1-based): chr7:128,838,029, G>A. VCF-style: chr7-128838029-G-A. GRCh37 (hg19) VCF-style: chr7-128478083-G-A.
Other names: c.1012G>A, p.Val338Ile (NM_001127487.2); short protein forms V338I.
Identifiers: ClinVar variation 1369737 (VCV001369737.9), dbSNP rs2128934331, ClinGen allele CA369223392.